The following is an entry in ClinVar:

NM_017763.6(RNF43):c.1939C>T (p.Leu647Phe)

Gene: RNF43 (ring finger protein 43; minus strand). Cytogenetic location: 17q22.
Variant type: single nucleotide variant.
Coding change: c.1939C>T on transcript NM_017763.6 (MANE Select); coding-DNA position 1939, C replaced by T.
Protein change: p.Leu647Phe; replaces leucine 647 with phenylalanine.
Molecular consequence: missense variant.
Genome position (GRCh38, 1-based): chr17:58,357,837, G>A on the plus strand (C>T on the coding strand, the complement: RNF43 is on the minus strand). VCF-style: chr17-58357837-G-A. GRCh37 (hg19) VCF-style: chr17-56435198-G-A.
Other names: c.1939C>T, p.Leu647Phe (NM_001305544.3, NM_001438820.1, NM_001438821.1 and 1 more transcripts); c.1558C>T, p.Leu520Phe (NM_001305545.2, NM_001437987.1); short protein forms L520F, L647F.
Identifiers: ClinVar variation 5028318 (VCV005028318.1).

ClinVar aggregate classification (germline): Uncertain significance (1 of 4 stars; one submission).

gnomAD v4.1: 1 of 1,614,204 alleles (0.000062%); highest among the groups gnomAD compares: African/African-American, 0.0013%; no homozygotes.

Submission:

Ambry Genetics
Classification: Uncertain significance. Last evaluated: 2026-06-19. Review status: criteria provided, single submitter. Criteria: Ambry Variant Classification Scheme 2023. Collection method: clinical testing. Allele origin: germline.
Comment: The p.L647F variant (also known as c.1939C>T), located in coding exon 8 of the RNF43 gene, results from a C to T substitution at nucleotide position 1939. The leucine at codon 647 is replaced by phenylalanine, an amino acid with highly similar properties. This amino acid position is conserved. In addition, this alteration is predicted to be tolerated by in silico analysis. Based on the available evidence, the clinical significance of this variant remains unclear.